The following is an entry in ClinVar:

NM_024596.5(MCPH1):c.2215-58700C>G

Genes: ANGPT2 (angiopoietin 2; minus strand), MCPH1 (microcephalin 1; plus strand). Cytogenetic location: 8p23.1.
Variant type: single nucleotide variant.
Coding change: c.2215-58700C>G on transcript NM_024596.5 (MANE Select); 58700 bases into the intron before coding-DNA position 2215, C replaced by G.
Molecular consequence: intron variant. On other transcripts: missense variant (6).
Genome position (GRCh38, 1-based): chr8:6,562,754, C>G. VCF-style: chr8-6562754-C-G. GRCh37 (hg19) VCF-style: chr8-6420275-C-G.
Other names: c.181G>C, p.Val61Leu (NM_001118887.2, NM_001118888.2, NM_001147.3 and 3 more transcripts); c.2215-58700C>G (NM_001322042.2, NM_001363979.1, NM_001410917.1); c.1936-58700C>G (NM_001363980.2); short protein forms V61L.
Identifiers: ClinVar variation 4640449 (VCV004640449.2).

ClinVar aggregate classification (germline): Uncertain significance. Review status: criteria provided, multiple submitters, no conflicts (2 of 4 stars). 2 submissions from 2 submitters: Uncertain significance (2). Last evaluated 2026-04-02.

gnomAD v4.1: 62 of 1,613,598 alleles (0.0038%); highest among the groups gnomAD compares: Non-Finnish European, 0.0049%; 1 homozygote.

Submissions (2):

GeneDx
Classification: Uncertain significance. Last evaluated: 2026-04-02. Review status: criteria provided, single submitter. Criteria: GeneDx Variant Classification Process June 2021. Collection method: clinical testing. Allele origin: germline.
Comment: Not observed at significant frequency in large population cohorts (gnomAD); Has not been previously published as pathogenic or benign to our knowledge; In silico analysis suggests this variant may impact gene splicing. In the absence of RNA/functional studies, the actual effect of this sequence change is unknown.

Ambry Genetics
Classification: Uncertain significance. Last evaluated: 2025-10-25. Review status: criteria provided, single submitter. Criteria: Ambry Variant Classification Scheme 2023. Collection method: clinical testing. Allele origin: germline.